The following is an entry in ClinVar:

NM_020297.4(ABCC9):c.3175T>C (p.Trp1059Arg)

Gene: ABCC9 (ATP binding cassette subfamily C member 9; minus strand). Cytogenetic location: 12p12.1.
Variant type: single nucleotide variant.
Coding change: c.3175T>C on transcript NM_020297.4 (MANE Select); coding-DNA position 3175, T replaced by C.
Protein change: p.Trp1059Arg; replaces tryptophan 1059 with arginine.
Molecular consequence: missense variant.
Genome position (GRCh38, 1-based): chr12:21,844,837, A>G on the plus strand (T>C on the coding strand, the complement: ABCC9 is on the minus strand). VCF-style: chr12-21844837-A-G. GRCh37 (hg19) VCF-style: chr12-21997771-A-G.
Other names: c.3175T>C, p.Trp1059Arg (NM_001377273.1, NM_005691.4); c.2308T>C, p.Trp770Arg (NM_001377274.1); short protein forms W1059R, W770R.
Identifiers: ClinVar variation 2714407 (VCV002714407.3), dbSNP rs2541072838, ClinGen allele CA384118597.

ClinVar aggregate classification (germline): Uncertain significance (1 of 4 stars; one submission).

Conditions:
Dilated cardiomyopathy 1O (CMD1O). Also called: CARDIOMYOPATHY, DILATED, WITH VENTRICULAR TACHYCARDIA. Identifiers: Orphanet 154, MedGen C1837839, MONDO:0012062, OMIM 608569.

Submission:

Labcorp Genetics (formerly Invitae), Labcorp
Classification: Uncertain significance for Dilated cardiomyopathy 1O. Last evaluated: 2024-02-01. Review status: criteria provided, single submitter. Criteria: Invitae Variant Classification Sherloc (09022015). Collection method: clinical testing. Allele origin: germline.
Comment: This sequence change replaces tryptophan, which is neutral and slightly polar, with arginine, which is basic and polar, at codon 1059 of the ABCC9 protein (p.Trp1059Arg). This variant is not present in population databases (gnomAD no frequency). This variant has not been reported in the literature in individuals affected with ABCC9-related conditions. Advanced modeling of protein sequence and biophysical properties (such as structural, functional, and spatial information, amino acid conservation, physicochemical variation, residue mobility, and thermodynamic stability) has been performed at Invitae for this missense variant, however the output from this modeling did not meet the statistical confidence thresholds required to predict the impact of this variant on ABCC9 protein function. In summary, the available evidence is currently insufficient to determine the role of this variant in disease. Therefore, it has been classified as a Variant of Uncertain Significance.